The following is an entry in ClinVar:

NM_002485.5(NBN):c.2152G>T (p.Glu718Ter)

Gene: NBN (nibrin; minus strand). Cytogenetic location: 8q21.3.
Variant type: single nucleotide variant.
Coding change: c.2152G>T on transcript NM_002485.5 (MANE Select); coding-DNA position 2152, G replaced by T.
Protein change: p.Glu718Ter; replaces glutamic acid 718 with a stop codon.
Molecular consequence: nonsense.
Genome position (GRCh38, 1-based): chr8:89,943,285, C>A on the plus strand (G>T on the coding strand, the complement: NBN is on the minus strand). VCF-style: chr8-89943285-C-A. GRCh37 (hg19) VCF-style: chr8-90955513-C-A.
Other names: c.1906G>T, p.Glu636Ter (NM_001024688.3); short protein forms E636*, E718*.
Identifiers: ClinVar variation 2161749 (VCV002161749.6), dbSNP rs1217913746, ClinGen allele CA371675405.

ClinVar aggregate classification (germline): Pathogenic. Review status: criteria provided, multiple submitters, no conflicts (2 of 4 stars). 2 submissions from 2 submitters: Pathogenic (2). Last evaluated 2023-03-20.

Conditions:
Hereditary cancer-predisposing syndrome. Also called: Neoplastic Syndromes, Hereditary; Hereditary neoplastic syndrome; Hereditary Cancer Syndrome; Tumor predisposition. Identifiers: Orphanet 140162, MedGen C0027672, MeSH D009386, MONDO:0015356.
Microcephaly, normal intelligence and immunodeficiency (NBS). Also called: Immunodeficiency, microcephaly with normal intelligence; IMMUNODEFICIENCY, MICROCEPHALY, AND CHROMOSOMAL INSTABILITY; SEEMANOVA SYNDROME II; Nijmegen breakage syndrome; Microcephaly with normal intelligence immunodeficiency and lymphoreticular malignancies; Nonsyndromal microcephaly autosomal recessive with normal intelligence. Identifiers: Orphanet 647, MedGen C0398791, MONDO:0009623, OMIM 251260.

Allele frequency attached by ClinVar (database versions not stated): gnomAD exomes below 0.00001.
gnomAD v4.1: 2 of 1,613,686 alleles (0.00012%); no homozygotes.

Submissions (2):

Labcorp Genetics (formerly Invitae), Labcorp
Classification: Pathogenic for Microcephaly, normal intelligence and immunodeficiency. Last evaluated: 2023-03-20. Review status: criteria provided, single submitter. Criteria: Invitae Variant Classification Sherloc (09022015). Collection method: clinical testing. Allele origin: germline.
Comment: This sequence change creates a premature translational stop signal (p.Glu718*) in the NBN gene. It is expected to result in an absent or disrupted protein product. Loss-of-function variants in NBN are known to be pathogenic (PMID: 9590180, 16415040). For these reasons, this variant has been classified as Pathogenic. ClinVar contains an entry for this variant (Variation ID: 2161749). This variant has not been reported in the literature in individuals affected with NBN-related conditions. This variant is present in population databases (no rsID available, gnomAD 0.008%).

Ambry Genetics
Classification: Pathogenic for Hereditary cancer-predisposing syndrome. Last evaluated: 2023-02-16. Review status: criteria provided, single submitter. Criteria: Ambry Variant Classification Scheme 2023. Collection method: clinical testing. Allele origin: germline.
Comment: The p.E718* pathogenic mutation (also known as c.2152G>T), located in coding exon 14 of the NBN gene, results from a G to T substitution at nucleotide position 2152. This changes the amino acid from a glutamic acid to a stop codon within coding exon 14. In one study, this variant was reported in 2/60,466 breast cancer cases and in 1/53,461 controls (Dorling et al. N Engl J Med. 2021 02;384:428-439). In addition to the clinical data presented in the literature, this alteration is expected to result in loss of function by premature protein truncation or nonsense-mediated mRNA decay. As such, this alteration is interpreted as a disease-causing mutation.

Literature cited by the submitters: PubMed 9590180 (cited by Labcorp Genetics (formerly Invitae), Labcorp); PubMed 16415040 (cited by Labcorp Genetics (formerly Invitae), Labcorp); PubMed 33471991 (cited by Ambry Genetics).